The following is an entry in ClinVar:

NC_000002.11:g.(?_15307172)_(15307467_?)dup

Gene: NBAS (NBAS subunit of NRZ tethering complex; minus strand). Cytogenetic location: 2p24.3.
Variant type: Duplication.
Identifiers: ClinVar variation 3247565 (VCV003247565.1).

ClinVar aggregate classification (germline): Uncertain significance (1 of 4 stars; one submission).

Submission:

Labcorp Genetics (formerly Invitae), Labcorp
Classification: Uncertain significance. Last evaluated: 2022-10-26. Review status: criteria provided, single submitter. Criteria: Invitae Variant Classification Sherloc (09022015). Collection method: clinical testing. Allele origin: unknown.
Comment: In summary, the available evidence is currently insufficient to determine the role of this variant in disease. Therefore, it has been classified as a Variant of Uncertain Significance. Experimental studies and prediction algorithms are not available or were not evaluated, and the functional significance of this variant is currently unknown. This variant has not been reported in the literature in individuals affected with NBAS-related conditions. This variant results in a copy number gain of the genomic region encompassing exon(s) 52 of the NBAS gene. This region includes the termination codon of the gene. This copy number gain extends beyond the assayed region for this gene and therefore may encompass additional genes. As the precise location of this event is unknown, it may be in tandem or it may be located elsewhere in the genome.